The following is an entry in ClinVar:

ClinVar aggregate classification (germline): Likely benign. Review status: criteria provided, multiple submitters, no conflicts (2 of 4 stars). 3 submissions from 3 submitters: Likely benign (3). Last evaluated 2025-11-08.

Conditions:
Melnick-Needles syndrome (MNS). Also called: MELNICK-NEEDLES OSTEODYSPLASTY; Melnick-Needles Syndrome (FLNA-MNS); OSTEODYSPLASTY OF MELNICK AND NEEDLES. Identifiers: Orphanet 2484, MedGen C0025237, MONDO:0010650, OMIM 309350.
Frontometaphyseal dysplasia (FMD1). Identifiers: Orphanet 1826, MedGen C0265293, MONDO:0015942.
Heterotopia, periventricular, X-linked dominant (PVNH1). Also called: PERIVENTRICULAR NODULAR HETEROTOPIA 4; HETEROTOPIA, PERIVENTRICULAR, 1; PERIVENTRICULAR NODULAR HETEROTOPIA 1; X-linked periventricular heterotopia. Identifiers: Orphanet 2149, Orphanet 82004, MedGen C1848213, MONDO:0010233, OMIM 300049.
Oto-palato-digital syndrome, type II (OPD2). Also called: Otopalatodigital Syndrome Type 2 (FLNA-OPD2); FACIOPALATOOSSEOUS SYNDROME; OPD II SYNDROME; Otopalatodigital Syndrome, Type II. Identifiers: Orphanet 669, Orphanet 90652, MedGen C1844696, MONDO:0010571, OMIM 304120.
Familial thoracic aortic aneurysm and aortic dissection (TAAD). Also called: Thoracic aortic aneurysms and dissections. Identifiers: Orphanet 91387, MedGen C4707243, MONDO:0019625.

Allele frequency attached by ClinVar (database versions not stated): ExAC 0.00003; TOPMed 0.00005; gnomAD 0.00006 and 0.00007; ESP Exome Variant Server 0.00010.

Submissions (3):

Labcorp Genetics (formerly Invitae), Labcorp
Classification: Likely benign for Oto-palato-digital syndrome, type II; Heterotopia, periventricular, X-linked dominant; Frontometaphyseal dysplasia; Melnick-Needles syndrome. Last evaluated: 2025-11-08. Review status: criteria provided, single submitter. Criteria: Invitae Variant Classification Sherloc (09022015). Collection method: clinical testing. Allele origin: germline.

Ambry Genetics
Classification: Likely benign for Familial thoracic aortic aneurysm and aortic dissection. Last evaluated: 2020-12-07. Review status: criteria provided, single submitter. Criteria: Ambry Variant Classification Scheme 2023. Collection method: clinical testing. Allele origin: germline.

GeneDx
Classification: Likely benign. Last evaluated: 2018-02-19. Review status: criteria provided, single submitter. Criteria: GeneDx Variant Classification (06012015). Collection method: clinical testing. Allele origin: germline. Affected: yes.
Comment: This variant is considered likely benign or benign based on one or more of the following criteria: it is a conservative change, it occurs at a poorly conserved position in the protein, it is predicted to be benign by multiple in silico algorithms, and/or has population frequency not consistent with disease.

NM_001110556.2(FLNA):c.675G>A (p.Ala225=)

Gene: FLNA (filamin A; minus strand). Cytogenetic location: Xq28.
Variant type: single nucleotide variant.
Coding change: c.675G>A on transcript NM_001110556.2 (MANE Select); coding-DNA position 675, G replaced by A.
Protein change: p.Ala225=; no amino-acid change (alanine 225 retained).
Molecular consequence: synonymous variant.
Genome position (GRCh38, 1-based): chrX:154,367,686, C>T on the plus strand (G>A on the coding strand, the complement: FLNA is on the minus strand). VCF-style: chrX-154367686-C-T. GRCh37 (hg19) VCF-style: chrX-153596054-C-T.
Other names: c.675G>A, p.Ala225= (NM_001456.4).
Identifiers: ClinVar variation 516288 (VCV000516288.12), dbSNP rs375532074, ClinGen allele CA10561380.
Genomic context (GRCh38, chrX:154,367,686, plus strand): 5'-GCCGGGCGGGTGTACCTGGGGGATGCCCAGCCAGTCATCCGCCTGCTGCATGGCCTCTCG[C>T]GCATTGGTAACGGGCTTGCTGGCGTCCCAAGAGTCCCAGTCAGGACACAGGCCTGTGGCG-3'
Protein context (NP_001104026.1, residues 215-235): SWDASKPVTN[Ala225=]REAMQQADDW